The following is an entry in ClinVar:

ClinVar aggregate classification (germline): Uncertain significance (1 of 4 stars; one submission).

Conditions:
Long QT syndrome (LQTS). Identifiers: MedGen C0023976, MeSH D008133, MONDO:0002442. Disease mechanism: loss of function. Inheritance: Various modes of inheritance.

gnomAD v4.1: 1 of 1,614,090 alleles (0.000062%); highest among the groups gnomAD compares: Middle Eastern, 0.017%; no homozygotes.

Submission:

Labcorp Genetics (formerly Invitae), Labcorp
Classification: Uncertain significance for Long QT syndrome. Last evaluated: 2024-07-15. Review status: criteria provided, single submitter. Criteria: Invitae Variant Classification Sherloc (09022015). Collection method: clinical testing. Allele origin: germline.
Comment: This sequence change replaces isoleucine, which is neutral and non-polar, with valine, which is neutral and non-polar, at codon 3287 of the ANK2 protein (p.Ile3287Val). This variant is not present in population databases (gnomAD no frequency). This variant has not been reported in the literature in individuals affected with ANK2-related conditions. An algorithm developed to predict the effect of missense changes on protein structure and function (PolyPhen-2) suggests that this variant is likely to be disruptive. In summary, the available evidence is currently insufficient to determine the role of this variant in disease. Therefore, it has been classified as a Variant of Uncertain Significance.

NM_001148.6(ANK2):c.9859A>G (p.Ile3287Val)

Gene: ANK2 (ankyrin 2; plus strand). Cytogenetic location: 4q26.
Variant type: single nucleotide variant.
Coding change: c.9859A>G on transcript NM_001148.6 (MANE Select); coding-DNA position 9859, A replaced by G.
Protein change: p.Ile3287Val; replaces isoleucine 3287 with valine.
Molecular consequence: missense variant. On other transcripts: intron variant (68).
Genome position (GRCh38, 1-based): chr4:113,358,477, A>G. VCF-style: chr4-113358477-A-G. GRCh37 (hg19) VCF-style: chr4-114279633-A-G.
Other names: c.4265-2346A>G (NM_001354245.2, NM_001354262.2, NM_001354275.2); c.4229-2346A>G (NM_001354268.2); c.4127-2346A>G (NM_001354273.2); c.4427-2346A>G (NM_020977.5); c.4484-2346A>G (NM_001386152.1); c.4505-2346A>G (NM_001354237.2); c.4406-2346A>G (NM_001354230.2); c.4469-2346A>G (NM_001354231.2, NM_001354242.2); and 35 more; short protein forms I3209V, I3287V, I2087V, I3326V, I3334V.
Identifiers: ClinVar variation 3703023 (VCV003703023.2).